The following is an entry in ClinVar:

ClinVar aggregate classification (germline): Uncertain significance (1 of 4 stars; one submission).

Submission:

Labcorp Genetics (formerly Invitae), Labcorp
Classification: Uncertain significance. Last evaluated: 2022-03-11. Review status: criteria provided, single submitter. Criteria: Invitae Variant Classification Sherloc (09022015). Collection method: clinical testing. Allele origin: germline.
Comment: This variant is not present in population databases (gnomAD no frequency). This sequence change replaces serine, which is neutral and polar, with asparagine, which is neutral and polar, at codon 571 of the FAM161A protein (p.Ser571Asn). This variant has not been reported in the literature in individuals affected with FAM161A-related conditions. In summary, the available evidence is currently insufficient to determine the role of this variant in disease. Therefore, it has been classified as a Variant of Uncertain Significance. Algorithms developed to predict the effect of missense changes on protein structure and function are either unavailable or do not agree on the potential impact of this missense change (SIFT: "Tolerated"; PolyPhen-2: "Probably Damaging"; Align-GVGD: "Class C0").

NM_001201543.2(FAM161A):c.1712G>A (p.Ser571Asn)

Gene: FAM161A (FAM161 centrosomal protein A; minus strand). Cytogenetic location: 2p15.
Variant type: single nucleotide variant.
Coding change: c.1712G>A on transcript NM_001201543.2 (MANE Select); coding-DNA position 1712, G replaced by A.
Protein change: p.Ser571Asn; replaces serine 571 with asparagine.
Molecular consequence: missense variant. On other transcripts: intron variant (1).
Genome position (GRCh38, 1-based): chr2:61,838,577, C>T on the plus strand (G>A on the coding strand, the complement: FAM161A is on the minus strand). VCF-style: chr2-61838577-C-T. GRCh37 (hg19) VCF-style: chr2-62065712-C-T.
Other names: c.1583+844G>A (NM_032180.3); short protein forms S571N.
Identifiers: ClinVar variation 2108911 (VCV002108911.4), dbSNP rs2466017926, ClinGen allele CA346985932.